The following is an entry in ClinVar:

ClinVar aggregate classification (germline): Benign (1 of 4 stars; one submission).

Allele frequency attached by ClinVar (database versions not stated): gnomAD 0.02574 and 0.02771; 1000 Genomes Project 0.02895; TOPMed 0.02978; 1000 Genomes Project 30x 0.03123.

Submission:

GeneDx
Classification: Benign. Last evaluated: 2018-06-14. Review status: criteria provided, single submitter. Criteria: GeneDx Variant Classification (06012015). Collection method: clinical testing. Allele origin: germline. Affected: yes.
Comment: This variant is considered likely benign or benign based on one or more of the following criteria: it is a conservative change, it occurs at a poorly conserved position in the protein, it is predicted to be benign by multiple in silico algorithms, and/or has population frequency not consistent with disease.

NM_032374.4:c.-177C>A

Genes: COA8 (cytochrome c oxidase assembly factor 8; plus strand), LOC130056587 (ATAC-STARR-seq lymphoblastoid silent region 6160; plus strand). Cytogenetic location: 14q32.33.
Variant type: single nucleotide variant.
Genome position: GRCh38 VCF-style: chr14-103562786-C-A. GRCh37 (hg19) VCF-style: chr14-104029123-C-A.
Other names: c.-177C>A (NM_032374.4).
Identifiers: ClinVar variation 673113 (VCV000673113.1), dbSNP rs145083096, ClinGen allele CA14025353.